The following is an entry in ClinVar:

ClinVar aggregate classification (germline): Uncertain significance (1 of 4 stars; one submission).

Conditions:
Left ventricular noncompaction 8 (LVNC8). Identifiers: Orphanet 154, Orphanet 54260, MedGen C3809288, MONDO:0014152, OMIM 615373.

gnomAD v4.1: 1 of 1,566,756 alleles (0.000064%); highest among the groups gnomAD compares: Non-Finnish European, 0.000086%; no homozygotes.

Submission:

Labcorp Genetics (formerly Invitae), Labcorp
Classification: Uncertain significance for Left ventricular noncompaction 8. Last evaluated: 2021-06-14. Review status: criteria provided, single submitter. Criteria: Invitae Variant Classification Sherloc (09022015). Collection method: clinical testing. Allele origin: germline.
Comment: In summary, the available evidence is currently insufficient to determine the role of this variant in disease. Therefore, it has been classified as a Variant of Uncertain Significance. Algorithms developed to predict the effect of missense changes on protein structure and function are either unavailable or do not agree on the potential impact of this missense change (SIFT: "Deleterious"; PolyPhen-2: "Benign"; Align-GVGD: "Class C25"). This variant has not been reported in the literature in individuals with PRDM16-related conditions. This variant is not present in population databases (ExAC no frequency). This sequence change replaces glutamic acid with glutamine at codon 644 of the PRDM16 protein (p.Glu644Gln). The glutamic acid residue is highly conserved and there is a small physicochemical difference between glutamic acid and glutamine.

NM_022114.4(PRDM16):c.1930G>C (p.Glu644Gln)

Gene: PRDM16 (PR/SET domain 16; plus strand). Cytogenetic location: 1p36.32.
Variant type: single nucleotide variant.
Coding change: c.1930G>C on transcript NM_022114.4 (MANE Select); coding-DNA position 1930, G replaced by C.
Protein change: p.Glu644Gln; replaces glutamic acid 644 with glutamine.
Molecular consequence: missense variant.
Genome position (GRCh38, 1-based): chr1:3,412,127, G>C. VCF-style: chr1-3412127-G-C. GRCh37 (hg19) VCF-style: chr1-3328691-G-C.
Other names: c.1930G>C, p.Glu644Gln (NM_199454.3); short protein forms E644Q.
Identifiers: ClinVar variation 1400906 (VCV001400906.8), dbSNP rs61756438, ClinGen allele CA337999326.